The following is an entry in ClinVar:

ClinVar aggregate classification (germline): Benign (1 of 4 stars; one submission).

Allele frequency attached by ClinVar (database versions not stated): gnomAD 0.25509; TOPMed 0.28801; 1000 Genomes Project 0.31969; 1000 Genomes Project 30x 0.32854.
gnomAD v4.1: 41,089 of 152,004 alleles (27%); highest among the groups gnomAD compares: African/African-American, 48%; 7,025 homozygotes.

Submission:

GeneDx
Classification: Benign. Last evaluated: 2018-06-19. Review status: criteria provided, single submitter. Criteria: GeneDx Variant Classification (06012015). Collection method: clinical testing. Allele origin: germline. Affected: yes.
Comment: This variant is considered likely benign or benign based on one or more of the following criteria: it is a conservative change, it occurs at a poorly conserved position in the protein, it is predicted to be benign by multiple in silico algorithms, and/or has population frequency not consistent with disease.

NM_004637.6(RAB7A):c.-8-280A>G

Gene: RAB7A (RAB7A, member RAS oncogene family; plus strand). Cytogenetic location: 3q21.3.
Variant type: single nucleotide variant.
Coding change: c.-8-280A>G on transcript NM_004637.6 (MANE Select); 280 bases into the intron before 8 bases upstream of the start codon, A replaced by G.
Molecular consequence: intron variant.
Genome position (GRCh38, 1-based): chr3:128,795,080, A>G. VCF-style: chr3-128795080-A-G. GRCh37 (hg19) VCF-style: chr3-128513923-A-G.
Identifiers: ClinVar variation 671681 (VCV000671681.1), dbSNP rs9834608, ClinGen allele CA11377350.